The following is an entry in ClinVar:

ClinVar aggregate classification (germline): Conflicting classifications of pathogenicity. Review status: criteria provided, conflicting classifications (1 of 4 stars). 4 submissions from 4 submitters: Uncertain significance (1); Benign (3). Last evaluated 2026-01-26.

Conditions:
Autosomal recessive nonsyndromic hearing loss 3. Also called: NEUROSENSORY NONSYNDROMIC RECESSIVE DEAFNESS 3. Identifiers: Orphanet 90636, MedGen C1838263, MONDO:0010860, OMIM 600316.

Allele frequency attached by ClinVar (database versions not stated): 1000 Genomes Project 0.00499; 1000 Genomes Project 30x 0.00547; gnomAD 0.00686; ESP Exome Variant Server 0.00782; TOPMed 0.00786.
gnomAD v4.1: 6,541 of 1,613,412 alleles (0.41%); highest among the groups gnomAD compares: African/African-American, 1.6%; 29 homozygotes.

Submissions (4):

Labcorp Genetics (formerly Invitae), Labcorp
Classification: Benign. Last evaluated: 2026-01-26. Review status: criteria provided, single submitter. Criteria: Invitae Variant Classification Sherloc (09022015). Collection method: clinical testing. Allele origin: germline.

GeneDx
Classification: Benign. Last evaluated: 2019-08-12. Review status: criteria provided, single submitter. Criteria: GeneDx Variant Classification Process June 2021. Collection method: clinical testing. Allele origin: germline. Affected: yes.

Illumina Laboratory Services, Illumina
Classification: Uncertain significance for Autosomal recessive nonsyndromic hearing loss 3. Last evaluated: 2018-01-13. Review status: criteria provided, single submitter. Criteria: ICSL Variant Classification Criteria 13 December 2019. Collection method: clinical testing. Allele origin: germline.

Laboratory for Molecular Medicine, Mass General Brigham Personalized Medicine
Classification: Benign. Last evaluated: 2015-04-21. Review status: criteria provided, single submitter. Criteria: LMM Criteria. Collection method: clinical testing. Allele origin: germline. Observed: 6 variant alleles.
Comment: p.Pro1047Arg in exon 2 of MYO15A: This variant is not expected to have clinical significance because it has been identified in 1.6% (159/9738) of European chrom osomes by the Exome Aggregation Consortium (ExAC ; dbSNP rs77565048).

NM_016239.4(MYO15A):c.3140C>G (p.Pro1047Arg)

Gene: MYO15A (myosin XVA; plus strand). Cytogenetic location: 17p11.2.
Variant type: single nucleotide variant.
Coding change: c.3140C>G on transcript NM_016239.4 (MANE Select); coding-DNA position 3140, C replaced by G.
Protein change: p.Pro1047Arg; replaces proline 1047 with arginine.
Molecular consequence: missense variant.
Genome position (GRCh38, 1-based): chr17:18,121,940, C>G. VCF-style: chr17-18121940-C-G. GRCh37 (hg19) VCF-style: chr17-18025254-C-G.
Other names: short protein forms P1047R.
Identifiers: ClinVar variation 226783 (VCV000226783.18), dbSNP rs77565048, ClinGen allele CA8423389.